The following is an entry in ClinVar:

ClinVar aggregate classification (germline): Pathogenic. Review status: criteria provided, single submitter (1 of 4 stars). 2 submissions from 2 submitters: Pathogenic (1). 1 of the submissions does not count toward it. Last evaluated 2022-01-12.

Conditions:
Van den Ende-Gupta syndrome (VDEGS). Also called: BLEPHAROPHIMOSIS, ARACHNODACTYLY, AND CONGENITAL CONTRACTURES. Identifiers: Orphanet 2460, MedGen C1833136, MONDO:0010959, OMIM 600920.

Submissions (2):

GeneDx
Classification: Pathogenic. Last evaluated: 2022-01-12. Review status: criteria provided, single submitter. Criteria: GeneDx Variant Classification Process June 2021. Collection method: clinical testing. Allele origin: germline. Affected: yes.
Comment: Frameshift variant predicted to result in protein truncation or nonsense mediated decay in a gene for which loss-of-function is a known mechanism of disease; Not observed in large population cohorts (gnomAD); This variant is associated with the following publications: (PMID: 20887961, 21108395)

OMIM
Classification: Pathogenic for VAN DEN ENDE-GUPTA SYNDROME. Last evaluated: 2010-12-01. Review status: no assertion criteria provided. Collection method: literature only. Allele origin: germline. Not counted in ClinVar's aggregate classification.

Literature cited by the submitters: PubMed 21108395 (cited by OMIM); PubMed 20887961 (cited by OMIM).

NM_182895.5(SCARF2):c.1328_1329del (p.Val443fs)

Gene: SCARF2 (scavenger receptor class F member 2; minus strand). Cytogenetic location: 22q11.21.
Variant type: Deletion.
Coding change: c.1328_1329del on transcript NM_182895.5 (MANE Select); coding-DNA positions 1328 to 1329, 2 bases deleted (TG; older notation c.1328_1329delTG).
Protein change: p.Val443fs; shifts the reading frame from valine 443.
Molecular consequence: frameshift variant.
Genome position (GRCh38, 1-based): chr22:20,429,631-20,429,632, CA deleted on the plus strand (TG on the coding strand, the reverse complement: SCARF2 is on the minus strand); deleting any 2 consecutive bases within chr22:20,429,631-20,429,633 gives the same sequence; the c. name uses the placement nearest the transcript's 3' end. VCF-style (leftmost placement, unchanged base first): chr22-20429630-TCA-T. GRCh37 (hg19) VCF-style: chr22-20783917-TCA-T.
Other names: c.1328_1329delTG (NM_153334.6); c.1328_1329del, p.Val443fs (NM_153334.7); short protein forms V443fs.
Identifiers: ClinVar variation 31047 (VCV000031047.5), dbSNP rs587776902, ClinGen allele CA129634.